The following is an entry in ClinVar:

ClinVar aggregate classification (germline): Uncertain significance (1 of 4 stars; one submission).

Conditions:
Neurofibromatosis, type 1 (NF1). Also called: NEUROFIBROMATOSIS, TYPE I, SOMATIC; Neurofibromatosis, type I; VON RECKLINGHAUSEN DISEASE; Peripheral type neurofibromatosis. Identifiers: Orphanet 636, MedGen C0027831, MONDO:0018975, OMIM 162200. Disease mechanism: loss of function.

Submission:

Labcorp Genetics (formerly Invitae), Labcorp
Classification: Uncertain significance for Neurofibromatosis, type 1. Last evaluated: 2021-03-07. Review status: criteria provided, single submitter. Criteria: Invitae Variant Classification Sherloc (09022015). Collection method: clinical testing. Allele origin: germline.
Comment: In summary, the available evidence is currently insufficient to determine the role of this variant in disease. Therefore, it has been classified as a Variant of Uncertain Significance. Algorithms developed to predict the effect of missense changes on protein structure and function are either unavailable or do not agree on the potential impact of this missense change (SIFT: "Deleterious"; PolyPhen-2: "Probably Damaging"; Align-GVGD: "Class C0"). This variant has not been reported in the literature in individuals with NF1-related conditions. This variant is not present in population databases (ExAC no frequency). This sequence change replaces proline with leucine at codon 2282 of the NF1 protein (p.Pro2282Leu). The proline residue is moderately conserved and there is a moderate physicochemical difference between proline and leucine.

NM_001042492.3(NF1):c.6908C>T (p.Pro2303Leu)

Gene: NF1 (neurofibromin 1; plus strand). Cytogenetic location: 17q11.2.
Variant type: single nucleotide variant.
Coding change: c.6908C>T on transcript NM_001042492.3 (MANE Select); coding-DNA position 6908, C replaced by T.
Protein change: p.Pro2303Leu; replaces proline 2303 with leucine.
Molecular consequence: missense variant.
Genome position (GRCh38, 1-based): chr17:31,338,792, C>T. VCF-style: chr17-31338792-C-T. GRCh37 (hg19) VCF-style: chr17-29665810-C-T.
Other names: c.6845C>T, p.Pro2282Leu (NM_000267.4); short protein forms P2282L, P2303L.
Identifiers: ClinVar variation 1059178 (VCV001059178.5), dbSNP rs2151559381, ClinGen allele CA399014431.